The following is an entry in ClinVar:

ClinVar aggregate classification (germline): Uncertain significance (1 of 4 stars; one submission).

Submission:

GeneDx
Classification: Uncertain significance. Last evaluated: 2025-08-05. Review status: criteria provided, single submitter. Criteria: GeneDx Variant Classification Process June 2021. Collection method: clinical testing. Allele origin: germline. Affected: yes.
Comment: Not observed at significant frequency in large population cohorts (gnomAD); In-frame deletion of 1 amino acid(s) in a non-repeat region; Has not been previously published as pathogenic or benign to our knowledge

NM_000384.3(APOB):c.11023ATC[1] (p.Ile3676del)

Gene: APOB (apolipoprotein B; minus strand). Cytogenetic location: 2p24.1.
Variant type: Microsatellite.
Coding change: c.11023ATC[1] on transcript NM_000384.3 (MANE Select); one copy of the 3-base unit ATC starting at c.11023; the reference has two copies in a row; one copy, 3 bases deleted.
Protein change: p.Ile3676del; deletes isoleucine 3676.
Genome position (GRCh38, 1-based): chr2:21,005,840-21,005,842, GAT deleted on the plus strand (ATC on the coding strand, the reverse complement: APOB is on the minus strand); deleting any 3 consecutive bases within chr2:21,005,840-21,005,845 gives the same sequence; the position shown is the placement nearest the transcript's 3' end. VCF-style (leftmost placement, unchanged base first): chr2-21005839-GGAT-G. GRCh37 (hg19) VCF-style: chr2-21228711-GGAT-G.
Other names: short protein forms I3676del.
Identifiers: ClinVar variation 4756086 (VCV004756086.1).
Genomic context (GRCh38, chr2:21,005,839, plus strand): 5'-CAATGCTGGTGGTTACATCCAGCTTTAGGAAATCCCATAAGCTCTTGTCATAGACTGGTA[GGAT>G]GATATTTTTGAGGAACCTTAGGTGTCCTTCTAAGGATCCTGCAATGTCAAGGTGTGCCTT-3'